The following is an entry in ClinVar:

ClinVar aggregate classification (germline): Uncertain significance (1 of 4 stars; one submission).

Conditions:
Joubert syndrome 15 (JBTS15). Identifiers: Orphanet 475, MedGen C3280897, MONDO:0013763, OMIM 614464.

Allele frequency attached by ClinVar (database versions not stated): TOPMed below 0.00001; gnomAD 0.00001; gnomAD exomes 0.00001.
gnomAD v4.1: 6 of 1,614,010 alleles (0.00037%); highest among the groups gnomAD compares: Non-Finnish European, 0.00051%; no homozygotes.

Submission:

Labcorp Genetics (formerly Invitae), Labcorp
Classification: Uncertain significance for Joubert syndrome 15. Last evaluated: 2024-09-24. Review status: criteria provided, single submitter. Criteria: Invitae Variant Classification Sherloc (09022015). Collection method: clinical testing. Allele origin: germline.
Comment: This sequence change replaces aspartic acid, which is acidic and polar, with glutamic acid, which is acidic and polar, at codon 182 of the CEP41 protein (p.Asp182Glu). This variant is present in population databases (no rsID available, gnomAD 0.002%). This variant has not been reported in the literature in individuals affected with CEP41-related conditions. ClinVar contains an entry for this variant (Variation ID: 2122285). Invitae Evidence Modeling of protein sequence and biophysical properties (such as structural, functional, and spatial information, amino acid conservation, physicochemical variation, residue mobility, and thermodynamic stability) indicates that this missense variant is not expected to disrupt CEP41 protein function with a negative predictive value of 80%. In summary, the available evidence is currently insufficient to determine the role of this variant in disease. Therefore, it has been classified as a Variant of Uncertain Significance.

NM_018718.3(CEP41):c.546T>G (p.Asp182Glu)

Gene: CEP41 (centrosomal protein 41; minus strand). Cytogenetic location: 7q32.2.
Variant type: single nucleotide variant.
Coding change: c.546T>G on transcript NM_018718.3 (MANE Select); coding-DNA position 546, T replaced by G.
Protein change: p.Asp182Glu; replaces aspartic acid 182 with glutamic acid.
Molecular consequence: missense variant. On other transcripts: non-coding transcript variant (1).
Genome position (GRCh38, 1-based): chr7:130,402,676, A>C on the plus strand (T>G on the coding strand, the complement: CEP41 is on the minus strand). VCF-style: chr7-130402676-A-C. GRCh37 (hg19) VCF-style: chr7-130042517-A-C.
Other names: c.546T>G, p.Asp182Glu (NM_001257158.2); c.498T>G, p.Asp166Glu (NM_001257159.2); short protein forms D166E, D182E.
Identifiers: ClinVar variation 2122285 (VCV002122285.4), dbSNP rs1554417268, ClinGen allele CA369288683.
Genomic context (GRCh38, chr7:130,402,676, plus strand): 5'-AGTGAGGCACTTTAAAGCCTTCTCTCTCTTACCTCCAACAATGTGGCACTGCTGGTAAGA[A>C]TCTCTATCACGCACATCTAGCAGCAGGAAGGGGCAGTCAGGATAAGGTTTGTCTTTGGTA-3'
Protein context (NP_061188.1, residues 172-192): PFLLLDVRDR[Asp182Glu]SYQQCHIVGA